The following is an entry in ClinVar:

ClinVar aggregate classification (germline): Uncertain significance. Review status: criteria provided, single submitter (1 of 4 stars). 2 submissions from 2 submitters: Uncertain significance (1). 1 of the submissions does not count toward it. Last evaluated 2018-09-15.

Conditions:
PTCHD1-related disorder. Also called: PTCHD1-related condition.
Inborn genetic diseases. Identifiers: MedGen C0950123, MeSH D030342.

Allele frequency attached by ClinVar (database versions not stated): ESP Exome Variant Server 0.00009.
gnomAD v4.1: 13 of 1,211,659 alleles (0.0011%); highest among the groups gnomAD compares: African/African-American, 0.0017%; no homozygotes.

Submissions (2):

Ambry Genetics
Classification: Uncertain significance for Inborn genetic diseases. Last evaluated: 2018-09-15. Review status: criteria provided, single submitter. Criteria: Ambry Variant Classification Scheme 2023. Collection method: clinical testing. Allele origin: germline.
Comment: The p.P251S variant (also known as c.751C>T), located in coding exon 2 of the PTCHD1 gene, results from a C to T substitution at nucleotide position 751. The proline at codon 251 is replaced by serine, an amino acid with some similar properties. This amino acid position is highly conserved in available vertebrate species. In addition, this alteration is predicted to be deleterious by in silico analysis. Since supporting evidence is limited at this time, the clinical significance of this alteration remains unclear.

PreventionGenetics, part of Exact Sciences
Classification: Uncertain significance for PTCHD1-related condition. Last evaluated: 2024-02-13. Review status: no assertion criteria provided. Collection method: clinical testing. Allele origin: germline. Not counted in ClinVar's aggregate classification.
Comment: The PTCHD1 c.751C>T variant is predicted to result in the amino acid substitution p.Pro251Ser. This variant is reported in 0.0012% of alleles in individuals of European (Non-Finnish) descent in gnomAD, including one hemizygote. At this time, the clinical significance of this variant is uncertain due to the absence of conclusive functional and genetic evidence.

NM_173495.3(PTCHD1):c.751C>T (p.Pro251Ser)

Gene: PTCHD1 (patched domain containing 1; plus strand). Cytogenetic location: Xp22.11.
Variant type: single nucleotide variant.
Coding change: c.751C>T on transcript NM_173495.3 (MANE Select); coding-DNA position 751, C replaced by T.
Protein change: p.Pro251Ser; replaces proline 251 with serine.
Molecular consequence: missense variant.
Genome position (GRCh38, 1-based): chrX:23,379,990, C>T. VCF-style: chrX-23379990-C-T. GRCh37 (hg19) VCF-style: chrX-23398107-C-T.
Other names: short protein forms P251S.
Identifiers: ClinVar variation 1759320 (VCV001759320.4), dbSNP rs368662150, ClinGen allele CA327633885.